The following is an entry in ClinVar:

NM_000271.5(NPC1):c.3246-8C>T

Gene: NPC1 (NPC intracellular cholesterol transporter 1; minus strand). Cytogenetic location: 18q11.2.
Variant type: single nucleotide variant.
Coding change: c.3246-8C>T on transcript NM_000271.5 (MANE Select); 8 bases into the intron before coding-DNA position 3246, C replaced by T.
Molecular consequence: intron variant.
Genome position (GRCh38, 1-based): chr18:23,535,708, G>A on the plus strand (C>T on the coding strand, the complement: NPC1 is on the minus strand). VCF-style: chr18-23535708-G-A. GRCh37 (hg19) VCF-style: chr18-21115672-G-A.
Identifiers: ClinVar variation 594711 (VCV000594711.35), dbSNP rs145227129, ClinGen allele CA8912811.
Genomic context (GRCh38, chr18:23,535,708, plus strand): 5'-AGATAGTGTCGTCAATGATGGTCAGGTACTGTTCGTAGAAGACATAAAACACACTGGAGG[G>A]GAGAGGGGAGGCCTCATTAAAGCTCGCTCTCACTCCCGAACACTGCGTGTTCATCCTGTC-3'

ClinVar aggregate classification (germline): Conflicting classifications of pathogenicity. Review status: criteria provided, conflicting classifications (1 of 4 stars). 6 submissions from 6 submitters: Uncertain significance (1); Likely benign (3). 2 of the submissions do not count toward it. Last evaluated 2026-01-21.

Conditions:
NPC1-related disorder. Also called: NPC1-related condition.
Niemann-Pick disease, type C1. Also called: NEUROVISCERAL STORAGE DISEASE WITH VERTICAL SUPRANUCLEAR OPHTHALMOPLEGIA; NIEMANN-PICK DISEASE WITH CHOLESTEROL ESTERIFICATION BLOCK; NIEMANN-PICK DISEASE WITHOUT SPHINGOMYELINASE DEFICIENCY; NIEMANN-PICK DISEASE, CHRONIC NEURONOPATHIC FORM; NIEMANN-PICK DISEASE, VARIANT TYPE C1. Identifiers: Orphanet 646, MedGen C3179455, MONDO:0009757, OMIM 257220.

Allele frequency attached by ClinVar (database versions not stated): gnomAD exomes 0.00002 and 0.00005; ExAC 0.00009; 1000 Genomes Project 30x 0.00016; 1000 Genomes Project 0.00020; gnomAD 0.00028 and 0.00029; TOPMed 0.00029; ESP Exome Variant Server 0.00031.
gnomAD v4.1: 81 of 1,581,518 alleles (0.0051%); highest among the groups gnomAD compares: African/African-American, 0.094%; no homozygotes.

Submissions (6):

Labcorp Genetics (formerly Invitae), Labcorp
Classification: Likely benign for Niemann-Pick disease, type C1. Last evaluated: 2026-01-21. Review status: criteria provided, single submitter. Criteria: Invitae Variant Classification Sherloc (09022015). Collection method: clinical testing. Allele origin: germline.

Women's Health and Genetics/Laboratory Corporation of America, LabCorp
Classification: Likely benign. Last evaluated: 2025-04-28. Review status: criteria provided, single submitter. Criteria: LabCorp Variant Classification Summary - May 2015. Collection method: clinical testing. Allele origin: germline.

CeGaT Center for Human Genetics Tuebingen
Classification: Likely benign. Last evaluated: 2024-10-01. Review status: criteria provided, single submitter. Criteria: CeGaT Center For Human Genetics Tuebingen Variant Classification Criteria Version 2. Collection method: clinical testing. Allele origin: germline. Affected: yes. Observed: 1 variant allele.
Comment: NPC1: BP4

Eurofins Ntd Llc (ga)
Classification: Uncertain significance. Last evaluated: 2017-10-25. Review status: criteria provided, single submitter. Criteria: EGL Classification Definitions 2015. Collection method: clinical testing. Allele origin: germline. Observed: 1 variant allele, 1 heterozygote.

PreventionGenetics, part of Exact Sciences
Classification: Likely benign for NPC1-related condition. Last evaluated: 2024-01-10. Review status: no assertion criteria provided. Collection method: clinical testing. Allele origin: germline. Not counted in ClinVar's aggregate classification.
Comment: This variant is classified as likely benign based on ACMG/AMP sequence variant interpretation guidelines (Richards et al. 2015 PMID: 25741868, with internal and published modifications).

Natera, Inc.
Classification: Uncertain significance for Niemann-Pick disease type C1. Last evaluated: 2019-10-28. Review status: no assertion criteria provided. Collection method: clinical testing. Allele origin: germline. Not counted in ClinVar's aggregate classification.